The following is an entry in ClinVar:

NM_152419.3(HGSNAT):c.20C>T (p.Ala7Val)

Genes: HGSNAT (heparan-alpha-glucosaminide N-acetyltransferase; plus strand), LOC130000316 (ATAC-STARR-seq lymphoblastoid silent region 19164; plus strand). Cytogenetic location: 8p11.21.
Variant type: single nucleotide variant.
Coding change: c.20C>T on transcript NM_152419.3 (MANE Select); coding-DNA position 20, C replaced by T.
Protein change: p.Ala7Val; replaces alanine 7 with valine.
Molecular consequence: missense variant. On other transcripts: 5 prime UTR variant (1).
Genome position (GRCh38, 1-based): chr8:43,140,516, C>T. VCF-style: chr8-43140516-C-T. GRCh37 (hg19) VCF-style: chr8-42995659-C-T.
Other names: c.20C>T, p.Ala7Val (NM_001363227.2, NM_001363228.2); c.-814C>T (NM_001363229.2); short protein forms A7V.
Identifiers: ClinVar variation 2504228 (VCV002504228.1), dbSNP rs2486807019, ClinGen allele CA371124526.

ClinVar aggregate classification (germline): Uncertain significance (1 of 4 stars; one submission).

gnomAD v4.1: 3 of 1,079,956 alleles (0.00028%); highest among the groups gnomAD compares: Non-Finnish European, 0.00034%; no homozygotes.

Submission:

GeneDx
Classification: Uncertain significance. Last evaluated: 2022-12-02. Review status: criteria provided, single submitter. Criteria: GeneDx Variant Classification Process June 2021. Collection method: clinical testing. Allele origin: germline. Affected: yes.
Comment: Not observed at significant frequency in large population cohorts (gnomAD); In silico analysis supports that this missense variant does not alter protein structure/function; Has not been previously published as pathogenic or benign to our knowledge